The following is an entry in ClinVar:

NM_000213.5(ITGB4):c.3890C>T (p.Thr1297Met)

Genes: GALK1 (galactokinase 1; minus strand), ITGB4 (integrin subunit beta 4; plus strand). Cytogenetic location: 17q25.1.
Variant type: single nucleotide variant.
Coding change: c.3890C>T on transcript NM_000213.5 (MANE Select); coding-DNA position 3890, C replaced by T.
Protein change: p.Thr1297Met; replaces threonine 1297 with methionine.
Molecular consequence: missense variant. On other transcripts: intron variant (1).
Genome position (GRCh38, 1-based): chr17:75,752,270, C>T. VCF-style: chr17-75752270-C-T. GRCh37 (hg19) VCF-style: chr17-73748351-C-T.
Other names: c.3890C>T, p.Thr1297Met (NM_001005619.2, NM_001005731.3, NM_001321123.2 and 1 more transcripts); c.*23-533G>A (NM_001381985.1); short protein forms T1297M.
Identifiers: ClinVar variation 1925452 (VCV001925452.2), dbSNP rs1219909549, ClinGen allele CA401079801.

ClinVar aggregate classification (germline): Uncertain significance (1 of 4 stars; one submission).

Allele frequency attached by ClinVar (database versions not stated): gnomAD exomes 0.00001; TOPMed below 0.00001.
gnomAD v4.1: 13 of 1,613,456 alleles (0.00081%); highest among the groups gnomAD compares: East Asian, 0.0045%; no homozygotes.

Submission:

Labcorp Genetics (formerly Invitae), Labcorp
Classification: Uncertain significance. Last evaluated: 2022-01-16. Review status: criteria provided, single submitter. Criteria: Invitae Variant Classification Sherloc (09022015). Collection method: clinical testing. Allele origin: germline.
Comment: This sequence change replaces threonine, which is neutral and polar, with methionine, which is neutral and non-polar, at codon 1297 of the ITGB4 protein (p.Thr1297Met). This variant is present in population databases (no rsID available, gnomAD 0.01%). This variant has not been reported in the literature in individuals affected with ITGB4-related conditions. Algorithms developed to predict the effect of missense changes on protein structure and function are either unavailable or do not agree on the potential impact of this missense change (SIFT: "Not Available"; PolyPhen-2: "Probably Damaging"; Align-GVGD: "Not Available"). In summary, the available evidence is currently insufficient to determine the role of this variant in disease. Therefore, it has been classified as a Variant of Uncertain Significance.